The following is an entry in ClinVar:

ClinVar aggregate classification (germline): Uncertain significance (1 of 4 stars; one submission).

gnomAD v4.1: 1 of 1,614,166 alleles (0.000062%); highest among the groups gnomAD compares: Admixed American, 0.0017%; no homozygotes.

Submission:

Ambry Genetics
Classification: Uncertain significance. Last evaluated: 2024-11-02. Review status: criteria provided, single submitter. Criteria: Ambry Variant Classification Scheme 2023. Collection method: clinical testing. Allele origin: germline.
Comment: The p.C64F variant (also known as c.191G>T), located in coding exon 3 of the RAD54L gene, results from a G to T substitution at nucleotide position 191. The cysteine at codon 64 is replaced by phenylalanine, an amino acid with highly dissimilar properties. This amino acid position is conserved. In addition, this alteration is predicted to be tolerated by in silico analysis. Based on the available evidence, the clinical significance of this variant remains unclear.

NM_003579.4(RAD54L):c.191G>T (p.Cys64Phe)

Gene: RAD54L (RAD54 like; plus strand). Cytogenetic location: 1p34.1.
Variant type: single nucleotide variant.
Coding change: c.191G>T on transcript NM_003579.4 (MANE Select); coding-DNA position 191, G replaced by T.
Protein change: p.Cys64Phe; replaces cysteine 64 with phenylalanine.
Molecular consequence: missense variant. On other transcripts: 5 prime UTR variant (1).
Genome position (GRCh38, 1-based): chr1:46,250,100, G>T. VCF-style: chr1-46250100-G-T. GRCh37 (hg19) VCF-style: chr1-46715772-G-T.
Other names: c.191G>T, p.Cys64Phe (NM_001142548.2); c.-350G>T (NM_001370766.1); short protein forms C64F.
Identifiers: ClinVar variation 3429785 (VCV003429785.1).